The following is an entry in ClinVar:

NM_000138.5(FBN1):c.3986G>T (p.Gly1329Val)

Gene: FBN1 (fibrillin 1; minus strand). Cytogenetic location: 15q21.1.
Variant type: single nucleotide variant.
Coding change: c.3986G>T on transcript NM_000138.5 (MANE Select); coding-DNA position 3986, G replaced by T.
Protein change: p.Gly1329Val; replaces glycine 1329 with valine.
Molecular consequence: missense variant.
Genome position (GRCh38, 1-based): chr15:48,474,629, C>A on the plus strand (G>T on the coding strand, the complement: FBN1 is on the minus strand). VCF-style: chr15-48474629-C-A. GRCh37 (hg19) VCF-style: chr15-48766826-C-A.
Other names: c.3986G>T, p.Gly1329Val (NM_001406716.1); short protein forms G1329V.
Identifiers: ClinVar variation 4789653 (VCV004789653.1).

ClinVar aggregate classification (germline): Uncertain significance (1 of 4 stars; one submission).

Conditions:
Marfan syndrome (MFS). Also called: FBN1-Related Marfan Syndrome; MARFAN SYNDROME, TYPE I; Marfan syndrome type 1; Marfan's syndrome; Marfan syndrome, classic. Identifiers: Orphanet 284963, Orphanet 558, MedGen C0024796, MONDO:0007947, OMIM 154700.
Familial thoracic aortic aneurysm and aortic dissection (TAAD). Also called: Thoracic aortic aneurysms and dissections. Identifiers: Orphanet 91387, MedGen C4707243, MONDO:0019625.

Submission:

Labcorp Genetics (formerly Invitae), Labcorp
Classification: Uncertain significance for Marfan syndrome; Familial thoracic aortic aneurysm and aortic dissection. Last evaluated: 2025-08-11. Review status: criteria provided, single submitter. Criteria: Invitae Variant Classification Sherloc (09022015). Collection method: clinical testing. Allele origin: germline.
Comment: This sequence change replaces glycine, which is neutral and non-polar, with valine, which is neutral and non-polar, at codon 1329 of the FBN1 protein (p.Gly1329Val). This variant is not present in population databases (gnomAD no frequency). This variant has not been reported in the literature in individuals affected with FBN1-related conditions. Invitae Evidence Modeling of protein sequence and biophysical properties (such as structural, functional, and spatial information, amino acid conservation, physicochemical variation, residue mobility, and thermodynamic stability) indicates that this missense variant is expected to disrupt FBN1 protein function with a positive predictive value of 95%. In summary, the available evidence is currently insufficient to determine the role of this variant in disease. Therefore, it has been classified as a Variant of Uncertain Significance.